The following is an entry in ClinVar:

NM_005263.5(GFI1):c.925-40CT[12]

Gene: GFI1 (growth factor independent 1 transcriptional repressor; minus strand). Cytogenetic location: 1p22.1.
Variant type: Microsatellite.
Coding change: c.925-40CT[12] on transcript NM_005263.5 (MANE Select); 12 copies in a row of the 2-base unit CT starting at c.925-40; the reference has 18 copies in a row; six copies, 12 bases deleted.
Molecular consequence: intron variant.
Genome position (GRCh38, 1-based): chr1:92,478,758-92,478,769, AGAGAGAGAGAG deleted on the plus strand (CTCTCTCTCTCT on the coding strand, the reverse complement: GFI1 is on the minus strand); deleting any 12 consecutive bases within chr1:92,478,758-92,478,794 gives the same sequence; the position shown is the placement nearest the transcript's 3' end. VCF-style (leftmost placement, unchanged base first): chr1-92478757-CAGAGAGAGAGAG-C. GRCh37 (hg19) VCF-style: chr1-92944314-CAGAGAGAGAGAG-C.
Other names: p.?; c.925-16_925-5del (NM_005263.3, NM_005263.5); c.925-40CT[12] (NM_001127216.3, NM_001127215.3).
Identifiers: ClinVar variation 722828 (VCV000722828.12), dbSNP rs35896485, ClinGen allele CA740368716.

ClinVar aggregate classification (germline): Benign/Likely benign. Review status: criteria provided, multiple submitters, no conflicts (2 of 4 stars). 3 submissions from 3 submitters: Benign (1); Likely benign (2). Last evaluated 2024-12-16.

Conditions:
Neutropenia, severe congenital, 2, autosomal dominant. Identifiers: Orphanet 486, MedGen C2751288, MONDO:0013139, OMIM 613107.

Submissions (3):

Labcorp Genetics (formerly Invitae), Labcorp
Classification: Benign for Neutropenia, severe congenital, 2, autosomal dominant. Last evaluated: 2024-12-16. Review status: criteria provided, single submitter. Criteria: Invitae Variant Classification Sherloc (09022015). Collection method: clinical testing. Allele origin: germline.

Blueprint Genetics
Classification: Likely benign. Last evaluated: 2024-11-21. Review status: criteria provided, single submitter. Criteria: ACMG Guidelines, 2015. Collection method: clinical testing. Allele origin: germline.

Mayo Clinic Laboratories, Mayo Clinic
Classification: Likely benign. Last evaluated: 2024-10-29. Review status: criteria provided, single submitter. Criteria: ACMG Guidelines, 2015. Collection method: clinical testing. Allele origin: germline. Observed: 2 variant alleles.
Comment: BP4, BP7